The following is an entry in ClinVar:

ClinVar aggregate classification (germline): Uncertain significance (1 of 4 stars; one submission).

Conditions:
Long QT syndrome (LQTS). Identifiers: MedGen C0023976, MeSH D008133, MONDO:0002442. Disease mechanism: loss of function. Inheritance: Various modes of inheritance.

Submission:

Labcorp Genetics (formerly Invitae), Labcorp
Classification: Uncertain significance for Long QT syndrome. Last evaluated: 2023-03-18. Review status: criteria provided, single submitter. Criteria: Invitae Variant Classification Sherloc (09022015). Collection method: clinical testing. Allele origin: germline.
Comment: This sequence change falls in intron 17 of the CACNA1C gene. It does not directly change the encoded amino acid sequence of the CACNA1C protein. It affects a nucleotide within the consensus splice site. This variant is not present in population databases (gnomAD no frequency). This variant has not been reported in the literature in individuals affected with CACNA1C-related conditions. ClinVar contains an entry for this variant (Variation ID: 965915). Variants that disrupt the consensus splice site are a relatively common cause of aberrant splicing (PMID: 17576681, 9536098). Algorithms developed to predict the effect of sequence changes on RNA splicing suggest that this variant is not likely to affect RNA splicing. In summary, the available evidence is currently insufficient to determine the role of this variant in disease. Therefore, it has been classified as a Variant of Uncertain Significance.

Literature cited by the submitters: PubMed 17576681; PubMed 9536098.

NM_000719.7(CACNA1C):c.2460+5G>A

Gene: CACNA1C (calcium voltage-gated channel subunit alpha1 C; plus strand). Cytogenetic location: 12p13.33.
Variant type: single nucleotide variant.
Coding change: c.2460+5G>A on transcript NM_000719.7 (MANE Select); 5 bases into the intron after coding-DNA position 2460, G replaced by A.
Molecular consequence: intron variant.
Genome position (GRCh38, 1-based): chr12:2,585,501, G>A. VCF-style: chr12-2585501-G-A. GRCh37 (hg19) VCF-style: chr12-2694667-G-A.
Other names: c.2460+5G>A (NM_001167624.3, NM_001167623.2, NM_001167625.2 and 18 more transcripts); c.2451+5G>A (NM_001129844.2).
Identifiers: ClinVar variation 965915 (VCV000965915.8), dbSNP rs2062073653, ClinGen allele CA1139662467.